The following is an entry in ClinVar:

NM_013391.3(DMGDH):c.2033-17C>T

Gene: DMGDH (dimethylglycine dehydrogenase; minus strand). Cytogenetic location: 5q14.1.
Variant type: single nucleotide variant.
Coding change: c.2033-17C>T on transcript NM_013391.3 (MANE Select); 17 bases into the intron before coding-DNA position 2033, C replaced by T.
Molecular consequence: intron variant.
Genome position (GRCh38, 1-based): chr5:79,026,598, G>A on the plus strand (C>T on the coding strand, the complement: DMGDH is on the minus strand). VCF-style: chr5-79026598-G-A. GRCh37 (hg19) VCF-style: chr5-78322421-G-A.
Identifiers: ClinVar variation 515989 (VCV000515989.1), dbSNP rs148572384, ClinGen allele CA3318556.

ClinVar aggregate classification (germline): Likely benign (1 of 4 stars; one submission).

Allele frequency attached by ClinVar (database versions not stated): gnomAD exomes 0.00003 and 0.00010; gnomAD 0.00005 and 0.00008; ExAC 0.00008; TOPMed 0.00009; ESP Exome Variant Server 0.00023; 1000 Genomes Project 0.00040; 1000 Genomes Project 30x 0.00109.
gnomAD v4.1: 93 of 1,613,960 alleles (0.0058%); highest among the groups gnomAD compares: African/African-American, 0.055%; 2 homozygotes.

Submission:

GeneDx
Classification: Likely benign. Last evaluated: 2018-03-13. Review status: criteria provided, single submitter. Criteria: GeneDx Variant Classification (06012015). Collection method: clinical testing. Allele origin: germline. Affected: yes.
Comment: This variant is considered likely benign or benign based on one or more of the following criteria: it is a conservative change, it occurs at a poorly conserved position in the protein, it is predicted to be benign by multiple in silico algorithms, and/or has population frequency not consistent with disease.